The following is an entry in ClinVar:

NM_001148.6(ANK2):c.5166T>A (p.Ser1722Arg)

Genes: ANK2 (ankyrin 2; plus strand), LOC126807136 (MED14-independent group 3 enhancer GRCh37_chr4:114274931-114276130; plus strand). Cytogenetic location: 4q26.
Variant type: single nucleotide variant.
Coding change: c.5166T>A on transcript NM_001148.6 (MANE Select); coding-DNA position 5166, T replaced by A.
Protein change: p.Ser1722Arg; replaces serine 1722 with arginine.
Molecular consequence: missense variant. On other transcripts: intron variant (68).
Genome position (GRCh38, 1-based): chr4:113,353,784, T>A. VCF-style: chr4-113353784-T-A. GRCh37 (hg19) VCF-style: chr4-114274940-T-A.
Other names: c.4932T>A, p.Ser1644Arg (NM_001386142.1); c.1566T>A, p.Ser522Arg (NM_001386166.1); c.5307T>A, p.Ser1769Arg (NM_001386174.1); c.5283T>A, p.Ser1761Arg (NM_001386175.1); c.4411+3535T>A (NM_001386186.2, NM_001386148.2); c.4213+3535T>A (NM_001354269.3); c.4291+3535T>A (NM_001386187.2); c.4252+3535T>A (NM_001386147.1); and 35 more; short protein forms S1644R, S1769R, S1722R, S1761R, S522R.
Identifiers: ClinVar variation 3294716 (VCV003294716.1).

ClinVar aggregate classification (germline): Uncertain significance (1 of 4 stars; one submission).

Conditions:
Cardiovascular phenotype. Identifiers: MedGen CN230736.

gnomAD v4.1: 21 of 1,613,802 alleles (0.0013%); highest among the groups gnomAD compares: Non-Finnish European, 0.0018%; no homozygotes.

Submission:

Ambry Genetics
Classification: Uncertain significance for Cardiovascular phenotype. Last evaluated: 2024-03-19. Review status: criteria provided, single submitter. Criteria: Ambry Variant Classification Scheme 2023. Collection method: clinical testing. Allele origin: germline.
Comment: The p.S1722R variant (also known as c.5166T>A), located in coding exon 38 of the ANK2 gene, results from a T to A substitution at nucleotide position 5166. The serine at codon 1722 is replaced by arginine, an amino acid with dissimilar properties. This amino acid position is conserved. In addition, this alteration is predicted to be tolerated by in silico analysis. Based on the available evidence, the clinical significance of this alteration remains unclear.